The following is an entry in ClinVar:

NM_000051.4(ATM):c.1689G>T (p.Met563Ile)

Gene: ATM (ATM serine/threonine kinase; plus strand). Cytogenetic location: 11q22.3.
Variant type: single nucleotide variant.
Coding change: c.1689G>T on transcript NM_000051.4 (MANE Select); coding-DNA position 1689, G replaced by T.
Protein change: p.Met563Ile; replaces methionine 563 with isoleucine.
Molecular consequence: missense variant.
Genome position (GRCh38, 1-based): chr11:108,251,918, G>T. VCF-style: chr11-108251918-G-T. GRCh37 (hg19) VCF-style: chr11-108122645-G-T.
Other names: c.1689G>T, p.Met563Ile (NM_001351834.2); short protein forms M563I.
Identifiers: ClinVar variation 864266 (VCV000864266.12), dbSNP rs786202469, ClinGen allele CA382535202.

ClinVar aggregate classification (germline): Conflicting classifications of pathogenicity. Review status: criteria provided, conflicting classifications (1 of 4 stars). 3 submissions from 3 submitters: Uncertain significance (2); Likely benign (1). Last evaluated 2025-09-20.

Conditions:
Hereditary cancer-predisposing syndrome. Also called: Tumor predisposition; Hereditary Cancer Syndrome; Neoplastic Syndromes, Hereditary; Hereditary neoplastic syndrome. Identifiers: Orphanet 140162, MedGen C0027672, MeSH D009386, MONDO:0015356.
Ataxia-telangiectasia syndrome (AT). Also called: LOUIS-BAR SYNDROME; Ataxia telangiectasia (A-T); Ataxia-telangiectasia, complementation group D; Cerebello-oculocutaneous telangiectasia; Immunodeficiency with ataxia telangiectasia; Ataxia-telangiectasia. Identifiers: Orphanet 100, MedGen C0004135, MONDO:0008840, OMIM 208900.

Allele frequency attached by ClinVar (database versions not stated): gnomAD exomes below 0.00001.

Submissions (3):

Labcorp Genetics (formerly Invitae), Labcorp
Classification: Uncertain significance for Ataxia-telangiectasia syndrome. Last evaluated: 2025-09-20. Review status: criteria provided, single submitter. Criteria: Invitae Variant Classification Sherloc (09022015). Collection method: clinical testing. Allele origin: germline.
Comment: This sequence change replaces methionine, which is neutral and non-polar, with isoleucine, which is neutral and non-polar, at codon 563 of the ATM protein (p.Met563Ile). This variant is present in population databases (no rsID available, gnomAD 0.0009%). This variant has not been reported in the literature in individuals affected with ATM-related conditions. ClinVar contains an entry for this variant (Variation ID: 864266). Invitae Evidence Modeling of protein sequence and biophysical properties (such as structural, functional, and spatial information, amino acid conservation, physicochemical variation, residue mobility, and thermodynamic stability) indicates that this missense variant is not expected to disrupt ATM protein function with a negative predictive value of 95%. In summary, the available evidence is currently insufficient to determine the role of this variant in disease. Therefore, it has been classified as a Variant of Uncertain Significance.

Women's Health and Genetics/Laboratory Corporation of America, LabCorp
Classification: Uncertain significance. Last evaluated: 2024-03-31. Review status: criteria provided, single submitter. Criteria: LabCorp Variant Classification Summary - May 2015. Collection method: clinical testing. Allele origin: germline.

Ambry Genetics
Classification: Likely benign for Hereditary cancer-predisposing syndrome. Last evaluated: 2020-08-31. Review status: criteria provided, single submitter. Criteria: Ambry Variant Classification Scheme 2023. Collection method: clinical testing. Allele origin: germline.